The following is an entry in ClinVar:

NM_001369.3(DNAH5):c.7831T>C (p.Cys2611Arg)

Gene: DNAH5 (dynein axonemal heavy chain 5; minus strand). Cytogenetic location: 5p15.2.
Variant type: single nucleotide variant.
Coding change: c.7831T>C on transcript NM_001369.3 (MANE Select); coding-DNA position 7831, T replaced by C.
Protein change: p.Cys2611Arg; replaces cysteine 2611 with arginine.
Molecular consequence: missense variant.
Genome position (GRCh38, 1-based): chr5:13,807,647, A>G on the plus strand (T>C on the coding strand, the complement: DNAH5 is on the minus strand). VCF-style: chr5-13807647-A-G. GRCh37 (hg19) VCF-style: chr5-13807756-A-G.
Other names: short protein forms C2611R.
Identifiers: ClinVar variation 658570 (VCV000658570.10), dbSNP rs377481206, ClinGen allele CA3202991.

ClinVar aggregate classification (germline): Uncertain significance. Review status: criteria provided, single submitter (1 of 4 stars). 2 submissions from 2 submitters: Uncertain significance (1). 1 of the submissions does not count toward it. Last evaluated 2021-09-01.

Conditions:
Primary ciliary dyskinesia. Also called: Ciliary dyskinesia. Identifiers: Orphanet 244, MedGen C0008780, MONDO:0016575, HP:0012265.

Allele frequency attached by ClinVar (database versions not stated): TOPMed below 0.00001; ExAC 0.00001; gnomAD exomes 0.00001 and 0.00002; ESP Exome Variant Server 0.00015.
gnomAD v4.1: 26 of 1,612,094 alleles (0.0016%); highest among the groups gnomAD compares: Non-Finnish European, 0.0021%; no homozygotes.

Submissions (2):

Labcorp Genetics (formerly Invitae), Labcorp
Classification: Uncertain significance for Primary ciliary dyskinesia. Last evaluated: 2021-09-01. Review status: criteria provided, single submitter. Criteria: Invitae Variant Classification Sherloc (09022015). Collection method: clinical testing. Allele origin: germline.
Comment: This sequence change replaces cysteine with arginine at codon 2611 of the DNAH5 protein (p.Cys2611Arg). The cysteine residue is weakly conserved and there is a large physicochemical difference between cysteine and arginine. This variant is present in population databases (rs377481206, ExAC 0.002%). This variant has not been reported in the literature in individuals affected with DNAH5-related conditions. Algorithms developed to predict the effect of missense changes on protein structure and function (SIFT, PolyPhen-2, Align-GVGD) all suggest that this variant is likely to be tolerated. In summary, the available evidence is currently insufficient to determine the role of this variant in disease. Therefore, it has been classified as a Variant of Uncertain Significance.

Natera, Inc.
Classification: Uncertain significance for Primary ciliary dyskinesia. Last evaluated: 2021-01-31. Review status: no assertion criteria provided. Collection method: clinical testing. Allele origin: germline. Not counted in ClinVar's aggregate classification.